The following is an entry in ClinVar:

ClinVar aggregate classification (germline): Uncertain significance. Review status: criteria provided, multiple submitters, no conflicts (2 of 4 stars). 4 submissions from 4 submitters: Uncertain significance (4). Last evaluated 2025-08-28.

Conditions:
Hereditary cancer-predisposing syndrome. Also called: Hereditary neoplastic syndrome; Tumor predisposition; Neoplastic Syndromes, Hereditary; Hereditary Cancer Syndrome. Identifiers: Orphanet 140162, MedGen C0027672, MeSH D009386, MONDO:0015356.
Tuberous sclerosis 2 (TSC2). Identifiers: Orphanet 805, MedGen C1860707, MONDO:0013199, OMIM 613254.
Tuberous sclerosis syndrome (TSC). Also called: Tuberous Sclerosis Complex; Tuberous sclerosis. Identifiers: Orphanet 805, MedGen C0041341, MONDO:0001734.

Allele frequency attached by ClinVar (database versions not stated): gnomAD exomes below 0.00001; TOPMed below 0.00001; gnomAD 0.00001.

Submissions (4):

Ambry Genetics
Classification: Uncertain significance for Hereditary cancer-predisposing syndrome. Last evaluated: 2025-08-28. Review status: criteria provided, single submitter. Criteria: Ambry Variant Classification Scheme 2023. Collection method: clinical testing. Allele origin: germline.
Comment: The p.M1300K variant (also known as c.3899T>A), located in coding exon 32 of the TSC2 gene, results from a T to A substitution at nucleotide position 3899. The methionine at codon 1300 is replaced by lysine, an amino acid with similar properties. This amino acid position is not well conserved in available vertebrate species. In addition, the in silico prediction for this alteration is inconclusive. Since supporting evidence is limited at this time, the clinical significance of this alteration remains unclear.

Labcorp Genetics (formerly Invitae), Labcorp
Classification: Uncertain significance for Tuberous sclerosis 2. Last evaluated: 2025-02-18. Review status: criteria provided, single submitter. Criteria: Invitae Variant Classification Sherloc (09022015). Collection method: clinical testing. Allele origin: germline.
Comment: This sequence change replaces methionine, which is neutral and non-polar, with lysine, which is basic and polar, at codon 1300 of the TSC2 protein (p.Met1300Lys). The frequency data for this variant in the population databases is considered unreliable, as metrics indicate poor data quality at this position in the gnomAD database. This variant has not been reported in the literature in individuals affected with TSC2-related conditions. ClinVar contains an entry for this variant (Variation ID: 951522). Invitae Evidence Modeling of protein sequence and biophysical properties (such as structural, functional, and spatial information, amino acid conservation, physicochemical variation, residue mobility, and thermodynamic stability) indicates that this missense variant is not expected to disrupt TSC2 protein function with a negative predictive value of 95%. In summary, the available evidence is currently insufficient to determine the role of this variant in disease. Therefore, it has been classified as a Variant of Uncertain Significance.

Color Diagnostics, LLC DBA Color Health
Classification: Uncertain significance for Tuberous sclerosis syndrome. Last evaluated: 2024-03-06. Review status: criteria provided, single submitter. Criteria: ACMG Guidelines, 2015. Collection method: clinical testing. Allele origin: germline.
Comment: This missense variant replaces methionine with lysine at codon 1300 of the TSC2 protein. Computational prediction suggests that this variant may not impact protein structure and function. To our knowledge, functional studies have not been reported for this variant. This variant has not been reported in individuals affected with tuberous sclerosis complex in the literature. This variant has not been identified in the general population by the Genome Aggregation Database (gnomAD). The available evidence is insufficient to determine the role of this variant in disease conclusively. Therefore, this variant is classified as a Variant of Uncertain Significance.

All of Us Research Program, National Institutes of Health
Classification: Uncertain significance for Tuberous sclerosis syndrome. Last evaluated: 2023-10-06. Review status: criteria provided, single submitter. Criteria: ACMG Guidelines, 2015. Collection method: clinical testing. Allele origin: germline. Inheritance: Autosomal dominant inheritance. Observed: 1 variant allele, 1 heterozygote.
Comment: This missense variant replaces methionine with lysine at codon 1300 of the TSC2 protein. Computational prediction suggests that this variant may not impact protein structure and function (internally defined REVEL score threshold <= 0.5, PMID: 27666373). To our knowledge, functional studies have not been reported for this variant. This variant has not been reported in individuals affected with tuberous sclerosis complex in the literature. This variant has not been identified in the general population by the Genome Aggregation Database (gnomAD). The available evidence is insufficient to determine the role of this variant in disease conclusively. Therefore, this variant is classified as a Variant of Uncertain Significance.

This study involves interpretation of variants in research participants for the purpose of population health screening. Participant phenotype was not available at the time of variant classification. Additional details can be found in publication PMID: 35346344, PMCID: PMC8962531

NM_000548.5(TSC2):c.3899T>A (p.Met1300Lys)

Gene: TSC2 (TSC complex subunit 2; plus strand). Cytogenetic location: 16p13.3.
Variant type: single nucleotide variant.
Coding change: c.3899T>A on transcript NM_000548.5 (MANE Select); coding-DNA position 3899, T replaced by A.
Protein change: p.Met1300Lys; replaces methionine 1300 with lysine.
Molecular consequence: missense variant.
Genome position (GRCh38, 1-based): chr16:2,083,710, T>A. VCF-style: chr16-2083710-T-A. GRCh37 (hg19) VCF-style: chr16-2133711-T-A.
Other names: c.3698T>A, p.Met1233Lys (NM_001077183.3); c.3830T>A, p.Met1277Lys (NM_001114382.3); c.3590T>A, p.Met1197Lys (NM_001318827.2); c.3554T>A, p.Met1185Lys (NM_001318829.2); c.3167T>A, p.Met1056Lys (NM_001318831.2); c.3731T>A, p.Met1244Lys (NM_001318832.2); c.3701T>A, p.Met1234Lys (NM_001363528.2); c.3767T>A, p.Met1256Lys (NM_001370404.1); and 1 more; short protein forms M1185K, M1233K, M1197K, M1234K, M1256K, M1244K, M1277K, M1056K.
Identifiers: ClinVar variation 951522 (VCV000951522.12), dbSNP rs1349341137, ClinGen allele CA394296834.